The following is an entry in ClinVar:

ClinVar aggregate classification (germline): Likely pathogenic (1 of 4 stars; one submission).

Conditions:
Bethlem myopathy 1A. Also called: MYOPATHY, BENIGN CONGENITAL, WITH CONTRACTURES; Bethlem myopathy 1; Bethlem Muscular Dystrophy. Identifiers: Orphanet 610, MedGen CN029274, MONDO:0024530, OMIM 158810.

Submission:

Labcorp Genetics (formerly Invitae), Labcorp
Classification: Likely pathogenic for Bethlem myopathy 1A. Last evaluated: 2022-07-26. Review status: criteria provided, single submitter. Criteria: Invitae Variant Classification Sherloc (09022015). Collection method: clinical testing. Allele origin: germline.
Comment: This variant is not present in population databases (gnomAD no frequency). This sequence change affects an acceptor splice site in intron 41 of the COL6A3 gene. It is expected to disrupt RNA splicing. Variants that disrupt the donor or acceptor splice site typically lead to a loss of protein function (PMID: 16199547), and loss-of-function variants in COL6A3 are known to be pathogenic (PMID: 26004199). This variant has not been reported in the literature in individuals affected with COL6A3-related conditions. In summary, the currently available evidence indicates that the variant is pathogenic, but additional data are needed to prove that conclusively. Therefore, this variant has been classified as Likely Pathogenic. Algorithms developed to predict the effect of sequence changes on RNA splicing suggest that this variant may disrupt the consensus splice site.

Literature cited by the submitters: PubMed 16199547; PubMed 26004199.

NM_004369.4(COL6A3):c.9230-1G>A

Gene: COL6A3 (collagen type VI alpha 3 chain; minus strand). Cytogenetic location: 2q37.3.
Variant type: single nucleotide variant.
Coding change: c.9230-1G>A on transcript NM_004369.4 (MANE Select); the canonical splice acceptor site of the intron before coding-DNA position 9230, G replaced by A.
Molecular consequence: splice acceptor variant.
Genome position (GRCh38, 1-based): chr2:237,333,549, C>T on the plus strand (G>A on the coding strand, the complement: COL6A3 is on the minus strand). VCF-style: chr2-237333549-C-T. GRCh37 (hg19) VCF-style: chr2-238242192-C-T.
Other names: c.7409-1G>A (NM_057166.5); c.8612-1G>A (NM_057167.4).
Identifiers: ClinVar variation 2019792 (VCV002019792.4), dbSNP rs971398848, ClinGen allele CA67828702.